The following is an entry in ClinVar:

NM_020433.5(JPH2):c.579C>T (p.Pro193=)

Gene: JPH2 (junctophilin 2; minus strand). Cytogenetic location: 20q13.12.
Variant type: single nucleotide variant.
Coding change: c.579C>T on transcript NM_020433.5 (MANE Select); coding-DNA position 579, C replaced by T.
Protein change: p.Pro193=; no amino-acid change (proline 193 retained).
Molecular consequence: synonymous variant.
Genome position (GRCh38, 1-based): chr20:44,160,208, G>A on the plus strand (C>T on the coding strand, the complement: JPH2 is on the minus strand). VCF-style: chr20-44160208-G-A. GRCh37 (hg19) VCF-style: chr20-42788848-G-A.
Identifiers: ClinVar variation 412591 (VCV000412591.16), dbSNP rs534491843, ClinGen allele CA16616223.

ClinVar aggregate classification (germline): Likely benign. Review status: criteria provided, multiple submitters, no conflicts (2 of 4 stars). 4 submissions from 4 submitters: Likely benign (4). Last evaluated 2026-05-10.

Conditions:
Hypertrophic cardiomyopathy 17. Identifiers: MedGen C3151264, MONDO:0013474, OMIM 613873.
Cardiomyopathy, dilated, 2E. Identifiers: MedGen C5561970, MONDO:0030366, OMIM 619492.
JPH2-related disorder. Also called: JPH2-related condition.
Cardiovascular phenotype. Identifiers: MedGen CN230736.
Hypertrophic cardiomyopathy. Also called: HYPERTROPHIC MYOCARDIOPATHY. Identifiers: Orphanet 217569, MedGen C0007194, MeSH D002312, MONDO:0005045, HP:0001639.

Allele frequency attached by ClinVar (database versions not stated): gnomAD 0.00014 and 0.00015; TOPMed 0.00015; 1000 Genomes Project 0.00040; 1000 Genomes Project 30x 0.00047.
gnomAD v4.1: 30 of 1,411,558 alleles (0.0021%); highest among the groups gnomAD compares: African/African-American, 0.038%; no homozygotes.

Submissions (4):

PreventionGenetics, part of Exact Sciences
Classification: Likely benign for JPH2-related condition. Last evaluated: 2026-05-10. Review status: criteria provided, single submitter. Criteria: ACMG Guidelines, 2015. Collection method: clinical testing. Allele origin: germline.
Comment: This variant is classified as likely benign based on ACMG/AMP sequence variant interpretation guidelines (Richards et al. 2015 PMID: 25741868, with internal and published modifications).

Labcorp Genetics (formerly Invitae), Labcorp
Classification: Likely benign for Hypertrophic cardiomyopathy. Last evaluated: 2026-01-28. Review status: criteria provided, single submitter. Criteria: Invitae Variant Classification Sherloc (09022015). Collection method: clinical testing. Allele origin: germline.

Fulgent Genetics
Classification: Likely benign for Hypertrophic cardiomyopathy 17; Cardiomyopathy, dilated, 2E. Last evaluated: 2021-08-09. Review status: criteria provided, single submitter. Criteria: ACMG Guidelines, 2015. Collection method: clinical testing. Allele origin: unknown.

Ambry Genetics
Classification: Likely benign for Cardiovascular phenotype. Last evaluated: 2016-10-19. Review status: criteria provided, single submitter. Criteria: Ambry Variant Classification Scheme 2023. Collection method: clinical testing. Allele origin: germline.